The following is an entry in ClinVar:

ClinVar aggregate classification (germline): Uncertain significance. Review status: criteria provided, multiple submitters, no conflicts (2 of 4 stars). 2 submissions from 2 submitters: Uncertain significance (2). Last evaluated 2025-12-30.

Conditions:
Hereditary cancer-predisposing syndrome. Also called: Hereditary neoplastic syndrome; Neoplastic Syndromes, Hereditary; Hereditary Cancer Syndrome; Tumor predisposition. Identifiers: Orphanet 140162, MedGen C0027672, MeSH D009386, MONDO:0015356.

gnomAD v4.1: 1 of 1,613,948 alleles (0.000062%); highest among the groups gnomAD compares: Admixed American, 0.0017%; no homozygotes.

Submissions (2):

Labcorp Genetics (formerly Invitae), Labcorp
Classification: Uncertain significance. Last evaluated: 2025-12-30. Review status: criteria provided, single submitter. Criteria: Invitae Variant Classification Sherloc (09022015). Collection method: clinical testing. Allele origin: germline.
Comment: This sequence change replaces alanine, which is neutral and non-polar, with glycine, which is neutral and non-polar, at codon 2239 of the POLE protein (p.Ala2239Gly). This variant is present in population databases (no rsID available, gnomAD 0.1%). This variant has not been reported in the literature in individuals affected with POLE-related conditions. ClinVar contains an entry for this variant (Variation ID: 967694). Invitae Evidence Modeling of protein sequence and biophysical properties (such as structural, functional, and spatial information, amino acid conservation, physicochemical variation, residue mobility, and thermodynamic stability) indicates that this missense variant is not expected to disrupt POLE protein function with a negative predictive value of 80%. In summary, the available evidence is currently insufficient to determine the role of this variant in disease. Therefore, it has been classified as a Variant of Uncertain Significance.

Ambry Genetics
Classification: Uncertain significance for Hereditary cancer-predisposing syndrome. Last evaluated: 2025-07-09. Review status: criteria provided, single submitter. Criteria: Ambry Variant Classification Scheme 2023. Collection method: clinical testing. Allele origin: germline.
Comment: The p.A2239G variant (also known as c.6716C>G), located in coding exon 48 of the POLE gene, results from a C to G substitution at nucleotide position 6716. The alanine at codon 2239 is replaced by glycine, an amino acid with similar properties. This amino acid position is highly conserved in available vertebrate species. In addition, this alteration is predicted to be tolerated by in silico analysis. Based on the available evidence, the clinical significance of this variant remains unclear.

NM_006231.4(POLE):c.6716C>G (p.Ala2239Gly)

Gene: POLE (DNA polymerase epsilon, catalytic subunit; minus strand). Cytogenetic location: 12q24.33.
Variant type: single nucleotide variant.
Coding change: c.6716C>G on transcript NM_006231.4 (MANE Select); coding-DNA position 6716, C replaced by G.
Protein change: p.Ala2239Gly; replaces alanine 2239 with glycine.
Molecular consequence: missense variant.
Genome position (GRCh38, 1-based): chr12:132,624,936, G>C on the plus strand (C>G on the coding strand, the complement: POLE is on the minus strand). VCF-style: chr12-132624936-G-C. GRCh37 (hg19) VCF-style: chr12-133201522-G-C.
Other names: c.6716C>G (NM_006231.2); short protein forms A2239G.
Identifiers: ClinVar variation 967694 (VCV000967694.10), dbSNP rs190813054, ClinGen allele CA387366080.